The following is an entry in ClinVar:

NM_001267550.2(TTN):c.64245G>T (p.Trp21415Cys)

Genes: TTN (titin; minus strand), TTN-AS1 (TTN antisense RNA 1; plus strand). Cytogenetic location: 2q31.2.
Variant type: single nucleotide variant.
Coding change: c.64245G>T on transcript NM_001267550.2 (MANE Select); coding-DNA position 64245, G replaced by T.
Protein change: p.Trp21415Cys; replaces tryptophan 21415 with cysteine.
Molecular consequence: missense variant.
Genome position (GRCh38, 1-based): chr2:178,586,656, C>A on the plus strand (G>T on the coding strand, the complement: TTN is on the minus strand). VCF-style: chr2-178586656-C-A. GRCh37 (hg19) VCF-style: chr2-179451383-C-A.
Other names: c.59322G>T, p.Trp19774Cys (NM_001256850.1); c.37050G>T, p.Trp12350Cys (NM_003319.4); c.56541G>T, p.Trp18847Cys (NM_133378.4); c.37425G>T, p.Trp12475Cys (NM_133432.3); c.37626G>T, p.Trp12542Cys (NM_133437.4); short protein forms W18847C, W12475C, W12542C, W21415C, W12350C, W19774C.
Identifiers: ClinVar variation 1734135 (VCV001734135.6), dbSNP rs369299712, ClinGen allele CA60963299.
Genomic context (GRCh38, chr2:178,586,656, plus strand): 5'-CTTTCCTTCCTTTAGGCCAGTGACAACAAGGCTCAGATCTTTTACCACTGAGTACTCTGT[C>A]CAGCGATCTGCAGGCTGCTCTTCTTCTCTGTAACTAGTGATGTAGCCATCGATTTTAGCA-3'
Protein context (NP_001254479.2, residues 21405-21425): YREEEQPADR[Trp21415Cys]TEYSVVKDLS

ClinVar aggregate classification (germline): Conflicting classifications of pathogenicity. Review status: criteria provided, conflicting classifications (1 of 4 stars). 4 submissions from 4 submitters: Uncertain significance (3); Likely benign (1). Last evaluated 2026-08-14.

Conditions:
TTN-related disorder. Also called: TTN-related condition; TTN-related disease; TTN-related disorders.
Cardiovascular phenotype. Identifiers: MedGen CN230736.

Allele frequency attached by ClinVar (database versions not stated): gnomAD 0.00001; ESP Exome Variant Server 0.00008; TOPMed 0.00002.
gnomAD v4.1: 21 of 1,613,064 alleles (0.0013%); highest among the groups gnomAD compares: Non-Finnish European, 0.0017%; no homozygotes.

Submissions (4):

Ambry Genetics
Classification: Likely benign for Cardiovascular phenotype. Last evaluated: 2026-08-14. Review status: criteria provided, single submitter. Criteria: Ambry Variant Classification Scheme 2023. Collection method: clinical testing. Allele origin: germline.

PreventionGenetics, part of Exact Sciences
Classification: Uncertain significance for TTN-related condition. Last evaluated: 2026-05-25. Review status: criteria provided, single submitter. Criteria: ACMG Guidelines, 2015. Collection method: clinical testing. Allele origin: germline.
Comment: The TTN c.64245G>T variant is predicted to result in the amino acid substitution p.Trp21415Cys. To our knowledge, this variant has not been reported in the literature. This variant is reported in 0.0018% of alleles in individuals of European (Non-Finnish) descent in gnomAD. At this time, the clinical significance of this variant is uncertain due to the absence of conclusive functional and genetic evidence.

Revvity Omics, Revvity
Classification: Uncertain significance. Last evaluated: 2025-01-06. Review status: criteria provided, single submitter. Criteria: ACMG Guidelines, 2015. Collection method: clinical testing. Allele origin: germline.

GeneDx
Classification: Uncertain significance. Last evaluated: 2023-03-09. Review status: criteria provided, single submitter. Criteria: GeneDx Variant Classification Process June 2021. Collection method: clinical testing. Allele origin: germline. Affected: yes.
Comment: Not observed at significant frequency in large population cohorts (gnomAD); Missense variant in a gene in which most reported pathogenic variants are truncating/loss of function; Has not been previously published as pathogenic or benign to our knowledge